The following is an entry in ClinVar:

NM_005006.7(NDUFS1):c.154-16_154-9del

Gene: NDUFS1 (NADH:ubiquinone oxidoreductase core subunit S1; minus strand). Cytogenetic location: 2q33.3.
Variant type: Deletion.
Coding change: c.154-16_154-9del on transcript NM_005006.7 (MANE Select); 16 bases into the intron before coding-DNA position 154 through 9 bases into the intron before coding-DNA position 154, 8 bases deleted (TTTTTTTT; older notation c.154-16_154-9delTTTTTTTT).
Molecular consequence: intron variant.
Genome position (GRCh38, 1-based): chr2:206,149,934-206,149,941, AAAAAAAA deleted on the plus strand (TTTTTTTT on the coding strand, the reverse complement: NDUFS1 is on the minus strand); deleting any 8 consecutive bases within chr2:206,149,934-206,149,958 gives the same sequence; the c. name uses the placement nearest the transcript's 3' end. VCF-style (leftmost placement, unchanged base first): chr2-206149933-TAAAAAAAA-T. GRCh37 (hg19) VCF-style: chr2-207014657-TAAAAAAAA-T.
Other names: p.=; c.6-2107_6-2100del (NM_001199982.2); c.-18-16_-18-9del (NM_001199983.2); c.154-845_154-838del (NM_001199981.2); c.196-16_196-9del (NM_001199984.2).
Identifiers: ClinVar variation 4684631 (VCV004684631.2).
Genomic context (GRCh38, chr2:206,149,933, plus strand): 5'-AACCTTTCATGATAACAGAATCGAGGGATCTGCATGCCAACCTTCTCACAAGCCTAGAAG[TAAAAAAAA>T]AAAAAAAAAAAAAAAAAGCATTAGAATAACCTGACTTCACTGCTGTTATTGCTGAAACAC-3'

ClinVar aggregate classification (germline): Likely benign. Review status: criteria provided, multiple submitters, no conflicts (2 of 4 stars). 2 submissions from 2 submitters: Likely benign (2). Last evaluated 2025-08-20.

Submissions (2):

Mayo Clinic Laboratories, Mayo Clinic
Classification: Likely benign. Last evaluated: 2025-08-20. Review status: criteria provided, single submitter. Criteria: ACMG Guidelines, 2015. Collection method: clinical testing. Allele origin: germline. Observed: 2 variant alleles.
Comment: BP4, BP7

Blueprint Genetics
Classification: Likely benign. Last evaluated: 2024-11-08. Review status: criteria provided, single submitter. Criteria: ACMG Guidelines, 2015. Collection method: clinical testing. Allele origin: germline.